The following is an entry in ClinVar:

ClinVar aggregate classification (germline): Conflicting classifications of pathogenicity. Review status: criteria provided, conflicting classifications (1 of 4 stars). 4 submissions from 4 submitters: Uncertain significance (3); Likely benign (1). Last evaluated 2025-03-25.

Conditions:
Cardiovascular phenotype. Identifiers: MedGen CN230736.
Arrhythmogenic right ventricular dysplasia 10. Also called: Arrhythmogenic Right Ventricular Dysplasia/Cardiomyopathy10; Arrhythmogenic right ventricular dysplasia/cardiomyopathy, type 10; ARRHYTHMOGENIC RIGHT VENTRICULAR DYSPLASIA, FAMILIAL, 10. Identifiers: MedGen C1857777, MONDO:0012434, OMIM 610193.
Dilated cardiomyopathy 1BB (CMD1BB). Also called: CARDIOMYOPATHY, DILATED, 1BB, SUSCEPTIBILITY TO. Identifiers: Orphanet 154, MedGen C2752072, MONDO:0013030, OMIM 612877.
Cardiomyopathy (CMYO). Also called: Cardiomyopathies. Identifiers: Orphanet 167848, MedGen C0878544, MONDO:0004994, HP:0001638. Inheritance: Various modes of inheritance.

Allele frequency attached by ClinVar (database versions not stated): TOPMed below 0.00001.
gnomAD v4.1: 10 of 1,611,578 alleles (0.00062%); highest among the groups gnomAD compares: Non-Finnish European, 0.00051%; no homozygotes.

Submissions (4):

Ambry Genetics
Classification: Uncertain significance for Cardiovascular phenotype. Last evaluated: 2025-03-25. Review status: criteria provided, single submitter. Criteria: Ambry Variant Classification Scheme 2023. Collection method: clinical testing. Allele origin: germline.
Comment: The p.G983D variant (also known as c.2948G>A), located in coding exon 15 of the DSG2 gene, results from a G to A substitution at nucleotide position 2948. The glycine at codon 983 is replaced by aspartic acid, an amino acid with similar properties. This amino acid position is not well conserved in available vertebrate species. In addition, this alteration is predicted to be tolerated by in silico analysis. Since supporting evidence is limited at this time, the clinical significance of this alteration remains unclear.

Color Diagnostics, LLC DBA Color Health
Classification: Uncertain significance for Cardiomyopathy. Last evaluated: 2024-03-06. Review status: criteria provided, single submitter. Criteria: ACMG Guidelines, 2015. Collection method: clinical testing. Allele origin: germline.
Comment: This missense variant replaces glycine with aspartic acid at codon 983 of the DSG2 protein. Computational prediction tool suggests that this variant may not impact protein structure and function (internally defined REVEL score threshold <=0.5, PMID: 27666373). Splice site prediction tools suggest that this variant may not impact RNA splicing. To our knowledge, functional studies have not been performed for this variant. This variant has not been reported in individuals affected with cardiovascular disorders in the literature. This variant has been identified in 4/247852 chromosomes in the general population by the Genome Aggregation Database (gnomAD). The available evidence is insufficient to determine the role of this variant in disease conclusively. Therefore, this variant is classified as a Variant of Uncertain Significance.

Fulgent Genetics
Classification: Uncertain significance for Arrhythmogenic right ventricular dysplasia 10; Dilated cardiomyopathy 1BB. Last evaluated: 2021-11-02. Review status: criteria provided, single submitter. Criteria: ACMG Guidelines, 2015. Collection method: clinical testing. Allele origin: unknown.

Blueprint Genetics
Classification: Likely benign. Last evaluated: 2019-09-30. Review status: criteria provided, single submitter. Criteria: ACMG Guidelines, 2015. Collection method: clinical testing. Allele origin: germline.

NM_001943.5(DSG2):c.2948G>A (p.Gly983Asp)

Genes: DSG2 (desmoglein 2; plus strand), DSG2-AS1 (DSG2 antisense RNA 1; minus strand). Cytogenetic location: 18q12.1.
Variant type: single nucleotide variant.
Coding change: c.2948G>A on transcript NM_001943.5 (MANE Select); coding-DNA position 2948, G replaced by A.
Protein change: p.Gly983Asp; replaces glycine 983 with aspartic acid.
Molecular consequence: missense variant.
Genome position (GRCh38, 1-based): chr18:31,546,334, G>A. VCF-style: chr18-31546334-G-A. GRCh37 (hg19) VCF-style: chr18-29126297-G-A.
Other names: short protein forms G983D.
Identifiers: ClinVar variation 918442 (VCV000918442.9), dbSNP rs746359987, ClinGen allele CA047537.
Genomic context (GRCh38, chr18:31,546,334, plus strand): 5'-TGACAGAGAGGGTGTATGCTCCAGCTTCTACCTTGGTAGATCAGCCTTATGCTAATGAAG[G>A]TACAGTTGTGGTCACTGAAAGAGTAATACAGCCTCATGGGGGTGGATCGAATCCTCTGGA-3'
Protein context (NP_001934.2, residues 973-993): TLVDQPYANE[Gly983Asp]TVVVTERVIQ